The following is an entry in ClinVar:

NM_015021.3(ZNF292):c.2311C>T (p.Arg771Ter)

Gene: ZNF292 (zinc finger protein 292; plus strand). Cytogenetic location: 6q14.3.
Variant type: single nucleotide variant.
Coding change: c.2311C>T on transcript NM_015021.3 (MANE Select); coding-DNA position 2311, C replaced by T.
Protein change: p.Arg771Ter; replaces arginine 771 with a stop codon.
Molecular consequence: nonsense.
Genome position (GRCh38, 1-based): chr6:87,255,940, C>T. VCF-style: chr6-87255940-C-T. GRCh37 (hg19) VCF-style: chr6-87965658-C-T.
Other names: c.1891C>T, p.Arg631Ter (NM_001351444.2); c.2311C>T (NM_015021.1); short protein forms R631*, R771*.
Identifiers: ClinVar variation 1803182 (VCV001803182.4), dbSNP rs2482298524, ClinGen allele CA364912612.

ClinVar aggregate classification (germline): Conflicting classifications of pathogenicity. Review status: criteria provided, conflicting classifications (1 of 4 stars). 3 submissions from 3 submitters: Pathogenic (1); Uncertain significance (1). 1 of the submissions does not count toward it. Last evaluated 2024-07-12.

Conditions:
ZNF292-related disorder. Also called: ZNF292-related condition.
Complex neurodevelopmental disorder. Identifiers: Orphanet 528084, MedGen C5568766, MONDO:0100038.

Submissions (3):

GeneDx
Classification: Pathogenic. Last evaluated: 2024-07-12. Review status: criteria provided, single submitter. Criteria: GeneDx Variant Classification Process June 2021. Collection method: clinical testing. Allele origin: germline. Affected: yes.
Comment: Nonsense variant predicted to result in protein truncation, as the last 1953 amino acids are lost, and other loss-of-function variants have been reported downstream in HGMD; Not observed at significant frequency in large population cohorts (gnomAD); Has not been previously published as pathogenic or benign to our knowledge

Genetics and Molecular Pathology, SA Pathology
Classification: Uncertain significance for Complex neurodevelopmental disorder. Last evaluated: 2022-03-02. Review status: criteria provided, single submitter. Criteria: ACMG Guidelines, 2015. Collection method: clinical testing. Allele origin: germline. Inheritance: Autosomal dominant inheritance. Affected: yes.

PreventionGenetics, part of Exact Sciences
Classification: Likely pathogenic for ZNF292-related condition. Last evaluated: 2024-09-06. Review status: no assertion criteria provided. Collection method: clinical testing. Allele origin: germline. Not counted in ClinVar's aggregate classification.
Comment: The ZNF292 c.2311C>T variant is predicted to result in premature protein termination (p.Arg771*). To our knowledge, this variant has not been reported in the literature or in a large population database, indicating this variant is rare. Nonsense variants in ZNF292 are expected to be pathogenic. This variant is interpreted as likely pathogenic.